The following is an entry in ClinVar:

NM_000094.4(COL7A1):c.7271G>A (p.Arg2424Gln)

Gene: COL7A1 (collagen type VII alpha 1 chain; minus strand). Cytogenetic location: 3p21.31.
Variant type: single nucleotide variant.
Coding change: c.7271G>A on transcript NM_000094.4 (MANE Select); coding-DNA position 7271, G replaced by A.
Protein change: p.Arg2424Gln; replaces arginine 2424 with glutamine.
Molecular consequence: missense variant.
Genome position (GRCh38, 1-based): chr3:48,570,862, C>T on the plus strand (G>A on the coding strand, the complement: COL7A1 is on the minus strand). VCF-style: chr3-48570862-C-T. GRCh37 (hg19) VCF-style: chr3-48608295-C-T.
Other names: p.Arg2424Gln; short protein forms R2424Q.
Identifiers: ClinVar variation 2201620 (VCV002201620.6), dbSNP rs781689640, ClinGen allele CA2378589.

ClinVar aggregate classification (germline): Uncertain significance. Review status: criteria provided, multiple submitters, no conflicts (2 of 4 stars). 4 submissions from 4 submitters: Uncertain significance (4). Last evaluated 2026-01-26.

Conditions:
Inborn genetic diseases. Identifiers: MedGen C0950123, MeSH D030342.

Allele frequency attached by ClinVar (database versions not stated): ExAC 0.00003; gnomAD 0.00004.
gnomAD v4.1: 47 of 1,609,932 alleles (0.0029%); highest among the groups gnomAD compares: Admixed American, 0.005%; no homozygotes.

Submissions (4):

Labcorp Genetics (formerly Invitae), Labcorp
Classification: Uncertain significance. Last evaluated: 2026-01-26. Review status: criteria provided, single submitter. Criteria: Invitae Variant Classification Sherloc (09022015). Collection method: clinical testing. Allele origin: germline.
Comment: This sequence change replaces arginine, which is basic and polar, with glutamine, which is neutral and polar, at codon 2424 of the COL7A1 protein (p.Arg2424Gln). This variant is present in population databases (rs781689640, gnomAD 0.004%). This variant has not been reported in the literature in individuals affected with COL7A1-related conditions. ClinVar contains an entry for this variant (Variation ID: 2201620). An algorithm developed to predict the effect of missense changes on protein structure and function (PolyPhen-2) suggests that this variant is likely to be disruptive. This variant disrupts the p.Arg2424 amino acid residue in COL7A1. Other variant(s) that disrupt this residue have been determined to be pathogenic (PMID: 29272047, 32484238, 34948168). This suggests that this residue is clinically significant, and that variants that disrupt this residue are likely to be disease-causing. In summary, the available evidence is currently insufficient to determine the role of this variant in disease. Therefore, it has been classified as a Variant of Uncertain Significance.

Ambry Genetics
Classification: Uncertain significance for Inborn genetic diseases. Last evaluated: 2024-09-26. Review status: criteria provided, single submitter. Criteria: Ambry Variant Classification Scheme 2023. Collection method: clinical testing. Allele origin: germline.

Women's Health and Genetics/Laboratory Corporation of America, LabCorp
Classification: Uncertain significance. Last evaluated: 2024-08-31. Review status: criteria provided, single submitter. Criteria: LabCorp Variant Classification Summary - May 2015. Collection method: clinical testing. Allele origin: germline.

Mayo Clinic Laboratories, Mayo Clinic
Classification: Uncertain significance. Last evaluated: 2024-02-08. Review status: criteria provided, single submitter. Criteria: ACMG Guidelines, 2015. Collection method: clinical testing. Allele origin: germline. Observed: 1 variant allele.
Comment: PP3, PM5

Literature cited by the submitters: PubMed 29272047 (cited by Labcorp Genetics (formerly Invitae), Labcorp and Mayo Clinic Laboratories, Mayo Clinic); PubMed 32484238 (cited by Labcorp Genetics (formerly Invitae), Labcorp and Mayo Clinic Laboratories, Mayo Clinic); PubMed 34948168 (cited by Labcorp Genetics (formerly Invitae), Labcorp); PubMed 34046686 (cited by Mayo Clinic Laboratories, Mayo Clinic); PubMed 36287101 (cited by Mayo Clinic Laboratories, Mayo Clinic); PubMed 36430820 (cited by Mayo Clinic Laboratories, Mayo Clinic).